The following is an entry in ClinVar:

ClinVar aggregate classification (germline): Pathogenic (1 of 4 stars; one submission).

Conditions:
Polymicrogyria. Identifiers: Orphanet 35981, MedGen C0266464, MONDO:0000087, HP:0002126.

Submission:

Broad Center for Mendelian Genomics, Broad Institute of MIT and Harvard
Classification: Pathogenic for Polymicrogyria. Last evaluated: 2023-08-24. Review status: criteria provided, single submitter. Criteria: ACMG/ClinGen CNV Guidelines, 2019. Collection method: research. Allele origin: de novo. Inheritance: X-linked inheritance. Affected: yes.
Comment: The presence of this duplication was validated by karyotyping. These breakpoints have been estimated by exome sequencing only and therefore may not reflect the true breakpoints. The patient phenotype is nonspecific, but is consistent with cases described in the literature and/or published databases with overlapping variants. There is complete overlap with the Xp21.2 region (includes NR0B1), which is known to be triplosensitive, and has been assessed by the ClinGen Dosage Sensitivity Working Group. Inheritance information is unknown and the reported phenotype is nonspecific. In summary, the Xp22.11-p21.2 duplication meets criteria to be classified as pathogenic. The ACMG/ClinGen evidence codes and points used in this curation are as follows: 1: 0 points, 2: 1.00 points, 4-5: 0.30 points; Total: 1.30 points; Riggs 2020 (PMID: 31690835).

Literature cited by the submitters: PubMed 27761175.

GRCh38/hg38 Xp22.11-21.1(chrX:23730430-32849918)x3

Genes: ACOT9 (acyl-CoA thioesterase 9; minus strand), APOO (apolipoprotein O; minus strand), ARX (aristaless related homeobox; minus strand), CXorf58 (chromosome X open reading frame 58; plus strand), DCAF8L1 (DDB1 and CUL4 associated factor 8 like 1; minus strand) and 110 more. Cytogenetic location: Xp22.11-21.1.
Variant type: copy number gain.
Change: copy number 3 of chrX:23,730,430-32,849,918 (9.12 Mb, GRCh38 coordinates, 1-based), cytogenetic band Xp22.11-21.1.
Identifiers: ClinVar variation 2579271 (VCV002579271.1).